The following is an entry in ClinVar:

NM_004655.4(AXIN2):c.1810G>A (p.Gly604Arg)

Gene: AXIN2 (axin 2; minus strand). Cytogenetic location: 17q24.1.
Variant type: single nucleotide variant.
Coding change: c.1810G>A on transcript NM_004655.4 (MANE Select); coding-DNA position 1810, G replaced by A.
Protein change: p.Gly604Arg; replaces glycine 604 with arginine.
Molecular consequence: missense variant. On other transcripts: intron variant (1).
Genome position (GRCh38, 1-based): chr17:65,536,966, C>T on the plus strand (G>A on the coding strand, the complement: AXIN2 is on the minus strand). VCF-style: chr17-65536966-C-T. GRCh37 (hg19) VCF-style: chr17-63533084-C-T.
Other names: c.1712+358G>A (NM_001363813.1); short protein forms G604R.
Identifiers: ClinVar variation 965118 (VCV000965118.9), dbSNP rs2043934241, ClinGen allele CA400676581.
Genomic context (GRCh38, chr17:65,536,966, plus strand): 5'-GCATCCACTGCCAGACATCCTGCGACCTGTCTCCTTCCTCCCGGGGAAGCTGCAGGGCCC[C>T]AGCTCCGCCGGGGGCCCCTCCTTCCCTGGCGGGCAGGGCCAGGCCCGGCTCCGTGCCTTT-3'
Protein context (NP_004646.3, residues 594-614): AREGGAPGGA[Gly604Arg]ALQLPREEGD

ClinVar aggregate classification (germline): Uncertain significance (1 of 4 stars; one submission).

Conditions:
Oligodontia-cancer predisposition syndrome. Also called: TOOTH AGENESIS-COLORECTAL CANCER SYNDROME. Identifiers: Orphanet 300576, MedGen C1837750, MONDO:0012075, OMIM 608615. Disease mechanism: loss of function.

Submission:

Labcorp Genetics (formerly Invitae), Labcorp
Classification: Uncertain significance for Oligodontia-cancer predisposition syndrome. Last evaluated: 2019-10-10. Review status: criteria provided, single submitter. Criteria: Invitae Variant Classification Sherloc (09022015). Collection method: clinical testing. Allele origin: germline.
Comment: This sequence change replaces glycine with arginine at codon 604 of the AXIN2 protein (p.Gly604Arg). The glycine residue is highly conserved and there is a moderate physicochemical difference between glycine and arginine. In summary, the available evidence is currently insufficient to determine the role of this variant in disease. Therefore, it has been classified as a Variant of Uncertain Significance. Algorithms developed to predict the effect of missense changes on protein structure and function are either unavailable or do not agree on the potential impact of this missense change (SIFT: "Deleterious"; PolyPhen-2: "Probably Damaging"; Align-GVGD: "Class C0"). This variant has not been reported in the literature in individuals with AXIN2-related conditions. This variant is not present in population databases (ExAC no frequency).